The following is an entry in ClinVar:

NM_000140.5(FECH):c.1211C>T (p.Pro404Leu)

Gene: FECH (ferrochelatase; minus strand). Cytogenetic location: 18q21.31.
Variant type: single nucleotide variant.
Coding change: c.1211C>T on transcript NM_000140.5 (MANE Select); coding-DNA position 1211, C replaced by T.
Protein change: p.Pro404Leu; replaces proline 404 with leucine.
Molecular consequence: missense variant.
Genome position (GRCh38, 1-based): chr18:57,550,773, G>A on the plus strand (C>T on the coding strand, the complement: FECH is on the minus strand). VCF-style: chr18-57550773-G-A. GRCh37 (hg19) VCF-style: chr18-55218005-G-A.
Other names: p.Pro404Leu; c.1229C>T, p.Pro410Leu (NM_001012515.4); c.1112C>T, p.Pro371Leu (NM_001371094.1); c.995C>T, p.Pro332Leu (NM_001371095.1); c.1151C>T, p.Pro384Leu (NM_001374778.1); short protein forms P404L, P371L, P384L, P332L, P410L.
Identifiers: ClinVar variation 4542265 (VCV004542265.1).

ClinVar aggregate classification (germline): Uncertain significance (1 of 4 stars; one submission).

gnomAD v4.1: 57 of 1,614,004 alleles (0.0035%); highest among the groups gnomAD compares: East Asian, 0.0089%; no homozygotes.

Submission:

Mayo Clinic Laboratories, Mayo Clinic
Classification: Uncertain significance. Last evaluated: 2025-10-20. Review status: criteria provided, single submitter. Criteria: ACMG Guidelines, 2015. Collection method: clinical testing. Allele origin: germline. Observed: 1 variant allele.
Comment: PP3_moderate, PP4, PM2_supporting